The following is an entry in ClinVar:

ClinVar aggregate classification (germline): Uncertain significance (0 of 4 stars; one submission).

Allele frequency attached by ClinVar (database versions not stated): ExAC 0.00001; gnomAD 0.00001.
gnomAD v4.1: 2 of 1,613,744 alleles (0.00012%); highest among the groups gnomAD compares: Non-Finnish European, 0.00017%; no homozygotes.

Submission:

Genetic Services Laboratory, University of Chicago
Classification: Uncertain significance. Last evaluated: 2022-06-23. Review status: no assertion criteria provided. Collection method: clinical testing. Allele origin: germline. Affected: no.
Comment: DNA sequence analysis of the RPL15 gene demonstrated a sequence change, c.101C>T, in exon 2 that results in an amino acid change, p.Ser34Phe. This sequence change has been described in the gnomAD database in two individuals which corresponds to a population frequency of 0.0007% (dbSNP rs766367909). The p.Ser34Phe change affects a highly conserved amino acid residue located in a domain of the RPL15 protein that is known to be functional. In-silico pathogenicity prediction tools (SIFT, PolyPhen2, Align GVGD, REVEL) provide contradictory results for the p.Ser34Phe substitution. This sequence change does not appear to have been previously described in individuals with RPL15-related disorders. Due to insufficient evidences and the lack of functional studies, the clinical significance of the p.Ser34Phe change remains unknown at this time.

NM_002948.5(RPL15):c.101C>T (p.Ser34Phe)

Genes: NKIRAS1 (NFKB inhibitor interacting Ras like 1; minus strand), RPL15 (ribosomal protein L15; plus strand). Cytogenetic location: 3p24.2.
Variant type: single nucleotide variant.
Coding change: c.101C>T on transcript NM_002948.5 (MANE Select); coding-DNA position 101, C replaced by T.
Protein change: p.Ser34Phe; replaces serine 34 with phenylalanine.
Molecular consequence: missense variant. On other transcripts: intron variant (1).
Genome position (GRCh38, 1-based): chr3:23,917,960, C>T. VCF-style: chr3-23917960-C-T. GRCh37 (hg19) VCF-style: chr3-23959451-C-T.
Other names: c.101C>T, p.Ser34Phe (NM_001253379.2, NM_001253380.2, NM_001253382.2 and 2 more transcripts); c.-139-6510G>A (NM_001377380.1); short protein forms S34F.
Identifiers: ClinVar variation 2443245 (VCV002443245.2), dbSNP rs766367909, ClinGen allele CA2286430.